The following is an entry in ClinVar:

ClinVar aggregate classification (germline): Uncertain significance (1 of 4 stars; one submission).

Conditions:
Rothmund-Thomson syndrome type 2 (RTS2). Identifiers: Orphanet 221016, MedGen C5203410, MONDO:0016369, OMIM 268400.

Submission:

St. Jude Molecular Pathology, St. Jude Children's Research Hospital
Classification: Uncertain significance for Rothmund-Thomson syndrome type 2. Last evaluated: 2022-10-13. Review status: criteria provided, single submitter. Criteria: St. Jude Assertion Criteria 2020. Collection method: clinical testing. Allele origin: germline.
Comment: The RECQL4 c.2413_2421del (p.Ala805_Arg807del) change deletes nine nucleotides at position 2413-2421 resulting in an in-frame deletion of three amino acids in exon 15. This variant has been reported in trans with a loss-of-function variant (compound heterozygous) in multiple individuals with clinical features of Rothmund-Thomson syndrome (PMID: 31604778, internal data, personal communication). In addition, this variant has been reported as homozygous in an individual without obvious features of RECQL4-associated disorders (PMID: 31604778). This change has a maximum subpopulation frequency of 0.056% in gnomAD v2.1.1. In summary, this variant meets criteria to be classified as likely pathogenic depending on the zygosity of the variant. However, the currently available data suggest that this variant may only be associated with disease when detected in trans with a pathogenic variant (compound heterozygous), but not when detected in the homozygous state.

NM_004260.4(RECQL4):c.2414_2422del (p.Ala805_Arg807del)

Gene: RECQL4 (RecQ like helicase 4; minus strand). Cytogenetic location: 8q24.3.
Variant type: Deletion.
Coding change: c.2414_2422del on transcript NM_004260.4 (MANE Select); coding-DNA positions 2414 to 2422, 9 bases deleted (CCGGGCGTG; older notation c.2414_2422delCCGGGCGTG).
Protein change: p.Ala805_Arg807del.
Molecular consequence: inframe deletion. On other transcripts: inframe indel (23).
Genome position (GRCh38, 1-based): chr8:144,513,259-144,513,267, CACGCCCGG deleted on the plus strand (CCGGGCGTG on the coding strand, the reverse complement: RECQL4 is on the minus strand); deleting any 9 consecutive bases within chr8:144,513,259-144,513,268 gives the same sequence; the c. name uses the placement nearest the transcript's 3' end. VCF-style (leftmost placement, unchanged base first): chr8-144513258-TCACGCCCGG-T. GRCh37 (hg19) VCF-style: chr8-145738641-TCACGCCCGG-T.
Other names: c.2413_2421delGCCGGGCGT, p.Ala805_Arg807del (NM_001413019.1, NM_001413036.1); c.2317_2325delGCCGGGCGT, p.Ala773_Arg775del (NM_001413020.1); c.1342_1350delGCCGGGCGT, p.Ala448_Arg450del (NM_001413021.1, NM_001413022.1, NM_001413023.1 and 5 more transcripts); c.2284_2292delGCCGGGCGT, p.Ala762_Arg764del (NM_001413025.1); c.1276_1284delGCCGGGCGT, p.Ala426_Arg428del (NM_001413027.1, NM_001413030.1, NM_001413032.1 and 1 more transcripts); c.2062_2070delGCCGGGCGT, p.Ala688_Arg690del (NM_001413029.1); c.1144_1152delGCCGGGCGT, p.Ala382_Arg384del (NM_001413031.1); c.2281_2289delGCCGGGCGT, p.Ala761_Arg763del (NM_001413033.1); and 4 more.
Identifiers: ClinVar variation 2444885 (VCV002444885.1), dbSNP rs2538007955, ClinGen allele CA2580078717.